The following is an entry in ClinVar:

ClinVar aggregate classification (germline): Uncertain significance (1 of 4 stars; one submission).

Allele frequency attached by ClinVar (database versions not stated): gnomAD exomes below 0.00001; ExAC 0.00001; TOPMed below 0.00001.
gnomAD v4.1: 6 of 1,614,046 alleles (0.00037%); highest among the groups gnomAD compares: Non-Finnish European, 0.00042%; no homozygotes.

Submission:

Labcorp Genetics (formerly Invitae), Labcorp
Classification: Uncertain significance. Last evaluated: 2025-04-21. Review status: criteria provided, single submitter. Criteria: Invitae Variant Classification Sherloc (09022015). Collection method: clinical testing. Allele origin: germline.
Comment: This sequence change replaces arginine, which is basic and polar, with cysteine, which is neutral and slightly polar, at codon 361 of the FOXP1 protein (p.Arg361Cys). This variant is present in population databases (rs748393867, gnomAD 0.004%). This variant has not been reported in the literature in individuals affected with FOXP1-related conditions. ClinVar contains an entry for this variant (Variation ID: 2989815). Invitae Evidence Modeling of protein sequence and biophysical properties (such as structural, functional, and spatial information, amino acid conservation, physicochemical variation, residue mobility, and thermodynamic stability) indicates that this missense variant is expected to disrupt FOXP1 protein function with a positive predictive value of 80%. In summary, the available evidence is currently insufficient to determine the role of this variant in disease. Therefore, it has been classified as a Variant of Uncertain Significance.

NM_001349338.3(FOXP1):c.1081C>T (p.Arg361Cys)

Gene: FOXP1 (forkhead box P1; minus strand). Cytogenetic location: 3p13.
Variant type: single nucleotide variant.
Coding change: c.1081C>T on transcript NM_001349338.3 (MANE Select); coding-DNA position 1081, C replaced by T.
Protein change: p.Arg361Cys; replaces arginine 361 with cysteine.
Molecular consequence: missense variant. On other transcripts: non-coding transcript variant (2).
Genome position (GRCh38, 1-based): chr3:70,988,059, G>A on the plus strand (C>T on the coding strand, the complement: FOXP1 is on the minus strand). VCF-style: chr3-70988059-G-A. GRCh37 (hg19) VCF-style: chr3-71037210-G-A.
Other names: c.1081C>T, p.Arg361Cys (NM_001244810.2, NM_001244814.3, NM_001244816.2 and 4 more transcripts); c.853C>T, p.Arg285Cys (NM_001244812.3); c.781C>T, p.Arg261Cys (NM_001244813.3, NM_001244815.2, NM_001349342.3 and 1 more transcripts); c.778C>T, p.Arg260Cys (NM_001349337.2, NM_001349343.3, NM_001349344.3); c.1078C>T, p.Arg360Cys (NM_001349341.3); short protein forms R261C, R285C, R360C, R260C, R361C.
Identifiers: ClinVar variation 2989815 (VCV002989815.3), dbSNP rs748393867, ClinGen allele CA2491106.
Genomic context (GRCh38, chr3:70,988,059, plus strand): 5'-GAGGGGCGGCTTTGGGTTCTGTAGACTTCACATGCAGGTGGGTCATCATGGCTTGCAGGC[G>A]TTCTTTGTCTTTTGCAAGCTGGCAAGAAGAAAATGCTTTGTTATTTCTCTGAATAAAGAT-3'
Protein context (NP_001336267.1, residues 351-371): LELQLAKDKE[Arg361Cys]LQAMMTHLHV